The following is an entry in ClinVar:

NM_002519.3(NPAT):c.2351C>A (p.Ala784Glu)

Gene: NPAT (nuclear protein, coactivator of histone transcription; minus strand). Cytogenetic location: 11q22.3.
Variant type: single nucleotide variant.
Coding change: c.2351C>A on transcript NM_002519.3 (MANE Select); coding-DNA position 2351, C replaced by A.
Protein change: p.Ala784Glu; replaces alanine 784 with glutamic acid.
Molecular consequence: missense variant.
Genome position (GRCh38, 1-based): chr11:108,172,633, G>T on the plus strand (C>A on the coding strand, the complement: NPAT is on the minus strand). VCF-style: chr11-108172633-G-T. GRCh37 (hg19) VCF-style: chr11-108043360-G-T.
Other names: c.2351C>A, p.Ala784Glu (NM_001321307.1); short protein forms A784E.
Identifiers: ClinVar variation 1790014 (VCV001790014.2), dbSNP rs2496717582, ClinGen allele CA382513161.
Genomic context (GRCh38, chr11:108,172,633, plus strand): 5'-ACTTCGGCATATACAACAGCACCTACAGTTTCTTCTGAAGATAGGCATTTAACTAGTTCT[G>T]CATTTTTAGTAGGTGATTTAGTAGGAGAAGACAAGATTATAGTTGGCAGGTTTTCTCCAT-3'
Protein context (NP_002510.2, residues 774-794): SSPTKSPTKN[Ala784Glu]ELVKCLSSEE

ClinVar aggregate classification (germline): Uncertain significance (1 of 4 stars; one submission).

Submission:

Ambry Genetics
Classification: Uncertain significance. Last evaluated: 2022-04-05. Review status: criteria provided, single submitter. Criteria: Ambry Variant Classification Scheme 2023. Collection method: clinical testing. Allele origin: germline.
Comment: The p.A784E variant (also known as c.2351C>A), located in coding exon 13 of the NPAT gene, results from a C to A substitution at nucleotide position 2351. The alanine at codon 784 is replaced by glutamic acid, an amino acid with dissimilar properties. This amino acid position is conserved. In addition, this alteration is predicted to be tolerated by in silico analysis. Since supporting evidence is limited at this time, the clinical significance of this alteration remains unclear.